The following is an entry in ClinVar:

ClinVar aggregate classification (germline): Uncertain significance (1 of 4 stars; one submission).

Allele frequency attached by ClinVar (database versions not stated): gnomAD 0.00002; TOPMed 0.00002.
gnomAD v4.1: 8 of 1,608,556 alleles (0.0005%); highest among the groups gnomAD compares: Admixed American, 0.013%; no homozygotes.

Submission:

Labcorp Genetics (formerly Invitae), Labcorp
Classification: Uncertain significance. Last evaluated: 2025-09-02. Review status: criteria provided, single submitter. Criteria: Invitae Variant Classification Sherloc (09022015). Collection method: clinical testing. Allele origin: germline.
Comment: This sequence change replaces isoleucine, which is neutral and non-polar, with methionine, which is neutral and non-polar, at codon 2469 of the HMCN1 protein (p.Ile2469Met). This variant is present in population databases (no rsID available, gnomAD 0.01%). This variant has not been reported in the literature in individuals affected with HMCN1-related conditions. ClinVar contains an entry for this variant (Variation ID: 1930806). An algorithm developed to predict the effect of missense changes on protein structure and function outputs the following: PolyPhen-2: "Benign". The methionine amino acid residue is found in multiple mammalian species, which suggests that this missense change does not adversely affect protein function. In summary, the available evidence is currently insufficient to determine the role of this variant in disease. Therefore, it has been classified as a Variant of Uncertain Significance.

NM_031935.3(HMCN1):c.7407C>G (p.Ile2469Met)

Gene: HMCN1 (hemicentin 1; plus strand). Cytogenetic location: 1q31.1.
Variant type: single nucleotide variant.
Coding change: c.7407C>G on transcript NM_031935.3 (MANE Select); coding-DNA position 7407, C replaced by G.
Protein change: p.Ile2469Met; replaces isoleucine 2469 with methionine.
Molecular consequence: missense variant.
Genome position (GRCh38, 1-based): chr1:186,061,945, C>G. VCF-style: chr1-186061945-C-G. GRCh37 (hg19) VCF-style: chr1-186031077-C-G.
Other names: short protein forms I2469M.
Identifiers: ClinVar variation 1930806 (VCV001930806.5), dbSNP rs940310147, ClinGen allele CA343904911.